The following is an entry in ClinVar:

ClinVar aggregate classification (germline): not provided (0 of 4 stars; one submission).

Allele frequency attached by ClinVar (database versions not stated): gnomAD exomes below 0.00001; ExAC 0.00001.

Submission:

ITMI
No classification provided. Condition: AllHighlyPenetrant. Last evaluated: 2013-09-19. Review status: no classification provided. Collection method: reference population. Allele origin: germline.
Comment: Please see associated publication for description of ethnicities

Literature cited by the submitters: PubMed 24728327.

NM_001005361.3(DNM2):c.164A>G (p.Asp55Gly)

Gene: DNM2 (dynamin 2; plus strand). Cytogenetic location: 19p13.2.
Variant type: single nucleotide variant.
Coding change: c.164A>G on transcript NM_001005361.3 (MANE Select); coding-DNA position 164, A replaced by G.
Protein change: p.Asp55Gly; replaces aspartic acid 55 with glycine.
Molecular consequence: missense variant.
Genome position (GRCh38, 1-based): chr19:10,759,740, A>G. VCF-style: chr19-10759740-A-G. GRCh37 (hg19) VCF-style: chr19-10870416-A-G.
Other names: c.164A>G, p.Asp55Gly (NM_001005360.3, NM_001005362.3, NM_001190716.2 and 1 more transcripts); short protein forms D55G.
Identifiers: ClinVar variation 133977 (VCV000133977.1), dbSNP rs587778234, ClinGen allele CA158291.